The following is an entry in ClinVar:

ClinVar aggregate classification (germline): Uncertain significance. Review status: criteria provided, multiple submitters, no conflicts (2 of 4 stars). 2 submissions from 2 submitters: Uncertain significance (2). Last evaluated 2025-05-08.

Conditions:
Hereditary breast ovarian cancer syndrome. Also called: Hereditary breast and/or ovarian cancer syndrome; BRCA1- and BRCA2-Associated Hereditary Breast and Ovarian Cancer; Hereditary breast and ovarian cancer syndrome; Hereditary breast and ovarian cancer; Hereditary breast and ovarian cancer syndrome (HBOC); Breast and ovarian cancer. Identifiers: Orphanet 145, MedGen C0677776, MeSH D061325, MONDO:0003582. Disease mechanism: loss of function.
Hereditary cancer-predisposing syndrome. Also called: Tumor predisposition; Hereditary Cancer Syndrome; Hereditary neoplastic syndrome; Neoplastic Syndromes, Hereditary. Identifiers: Orphanet 140162, MedGen C0027672, MeSH D009386, MONDO:0015356.

Submissions (3):

Ambry Genetics
Classification: Uncertain significance for Hereditary cancer-predisposing syndrome. Last evaluated: 2025-05-08. Review status: criteria provided, single submitter. Criteria: Ambry Variant Classification Scheme 2023. Collection method: clinical testing. Allele origin: germline.
Comment: The p.F79L variant (also known as c.235T>C), located in coding exon 4 of the BRCA1 gene, results from a T to C substitution at nucleotide position 235. The phenylalanine at codon 79 is replaced by leucine, an amino acid with highly similar properties. One functional study found that this nucleotide substitution is functional in a high throughput genome editing haploid cell survival assay (Findlay GM et al. Nature, 2018 Oct;562:217-222). Additionally, a BRCA1/BARD1 interaction assay showed that F79L performed similar to wild-type (Starita LM et al. Genetics, 2015 Jun;200:413-22). However, this alteration was non-functional in a mammalian 2-hybrid protein binding assay assessing BRCA1/BARD1 interaction (Clark KA et al. Am J Hum Genet, 2022 Jun;109:1153-1174). This amino acid position is highly conserved in available vertebrate species. In addition, this alteration is predicted to be deleterious by in silico analysis. Based on the available evidence, the clinical significance of this variant remains unclear.

Labcorp Genetics (formerly Invitae), Labcorp
Classification: Uncertain significance for Hereditary breast ovarian cancer syndrome. Last evaluated: 2023-03-16. Review status: criteria provided, single submitter. Criteria: Invitae Variant Classification Sherloc (09022015). Collection method: clinical testing. Allele origin: germline.
Comment: In summary, the available evidence is currently insufficient to determine the role of this variant in disease. Therefore, it has been classified as a Variant of Uncertain Significance. Advanced modeling performed at Invitae incorporating data from internal and/or published experimental studies (PMID: 30209399) indicates that this missense variant is not expected to disrupt BRCA1 function. ClinVar contains an entry for this variant (Variation ID: 867365). This variant has not been reported in the literature in individuals affected with BRCA1-related conditions. This variant is not present in population databases (gnomAD no frequency). This sequence change replaces phenylalanine, which is neutral and non-polar, with leucine, which is neutral and non-polar, at codon 79 of the BRCA1 protein (p.Phe79Leu).

Brotman Baty Institute, University of Washington
No classification provided (evidence only). Condition: Breast-ovarian cancer, familial 1. Review status: no classification provided. Collection method: in vitro. Allele origin: not applicable. Functional consequence: functionally_normal. Not counted in ClinVar's aggregate classification.
ClinVar note: "not provided" was previously submitted as the classification for the variant. However, the classification appeared to be based only on an observation of functional data so it was converted to no classification on 2025-07-30.

Literature cited by the submitters: PubMed 25823446 (cited by Ambry Genetics); PubMed 30209399 (cited by Ambry Genetics and Labcorp Genetics (formerly Invitae), Labcorp); PubMed 35659930 (cited by Ambry Genetics).

NM_007294.4(BRCA1):c.235T>C (p.Phe79Leu)

Gene: BRCA1 (BRCA1 DNA repair associated; minus strand). Cytogenetic location: 17q21.31.
Variant type: single nucleotide variant.
Coding change: c.235T>C on transcript NM_007294.4 (MANE Select); coding-DNA position 235, T replaced by C.
Protein change: p.Phe79Leu; replaces phenylalanine 79 with leucine.
Molecular consequence: missense variant. On other transcripts: non-coding transcript variant (1).
Genome position (GRCh38, 1-based): chr17:43,104,934, A>G on the plus strand (T>C on the coding strand, the complement: BRCA1 is on the minus strand). VCF-style: chr17-43104934-A-G. GRCh37 (hg19) VCF-style: chr17-41256951-A-G.
Other names: c.25T>C, p.Phe9Leu (NM_001407571.1, NM_001407853.1, NM_001407879.1 and 58 more transcripts); c.235T>C, p.Phe79Leu (NM_001407581.1, NM_001407582.1, NM_001407583.1 and 168 more transcripts); c.157T>C, p.Phe53Leu (NM_001407653.1, NM_001407654.1, NM_001407655.1 and 21 more transcripts); c.94T>C, p.Phe32Leu (NM_001407692.1, NM_001407694.1, NM_001407695.1 and 99 more transcripts); c.-147T>C (NM_001407959.1, NM_001407960.1, NM_001407962.1 and 4 more transcripts); c.103T>C, p.Phe35Leu (NM_001408451.1); short protein forms F32L, F79L, F53L, F35L, F9L.
Identifiers: ClinVar variation 867365 (VCV000867365.7), dbSNP rs1597898362, ClinGen allele CA10601690.